The following is an entry in ClinVar:

ClinVar aggregate classification (germline): Conflicting classifications of pathogenicity. Review status: criteria provided, conflicting classifications (1 of 4 stars). 6 submissions from 6 submitters: Uncertain significance (3); Benign (1); Likely benign (2). Last evaluated 2026-01-27.

Conditions:
Hereditary cancer-predisposing syndrome. Also called: Hereditary neoplastic syndrome; Neoplastic Syndromes, Hereditary; Tumor predisposition; Hereditary Cancer Syndrome. Identifiers: Orphanet 140162, MedGen C0027672, MeSH D009386, MONDO:0015356.
Facial dysmorphism-immunodeficiency-livedo-short stature syndrome. Also called: Facial dysmorphism, immunodeficiency, livedo, and short stature; FILS syndrome. Identifiers: Orphanet 352712, MedGen C3554576, MONDO:0014058, OMIM 615139.
Intrauterine growth retardation, metaphyseal dysplasia, adrenal hypoplasia congenita, genital anomalies, and immunodeficiency. Also called: IMAGEI SYNDROME. Identifiers: MedGen C5193036, MONDO:0032684, OMIM 618336.
Colorectal cancer, susceptibility to, 12 (CRCS12). Also called: COLORECTAL CANCER, SUSCEPTIBILITY TO, ON CHROMOSOME 12q24. Identifiers: Orphanet 220460, MedGen C3554460, MONDO:0014038, OMIM 615083.

Allele frequency attached by ClinVar (database versions not stated): TOPMed 0.00004; gnomAD exomes 0.00006 and 0.00009; gnomAD 0.00007 and 0.00009; ESP Exome Variant Server 0.00008; ExAC 0.00010; 1000 Genomes Project 30x 0.00016; 1000 Genomes Project 0.00020.
gnomAD v4.1: 98 of 1,612,036 alleles (0.0061%); highest among the groups gnomAD compares: East Asian, 0.051%; no homozygotes.

Submissions (6):

Labcorp Genetics (formerly Invitae), Labcorp
Classification: Likely benign. Last evaluated: 2026-01-27. Review status: criteria provided, single submitter. Criteria: Invitae Variant Classification Sherloc (09022015). Collection method: clinical testing. Allele origin: germline.

Department of Pathology and Laboratory Medicine, Sinai Health System
Classification: Uncertain significance for Colorectal cancer, susceptibility to, 12; Facial dysmorphism-immunodeficiency-livedo-short stature syndrome; Intrauterine growth retardation, metaphyseal dysplasia, adrenal hypoplasia congenita, genital anomalies, and immunodeficiency. Last evaluated: 2024-08-14. Review status: criteria provided, single submitter. Criteria: ACMG Guidelines, 2015. Collection method: clinical testing. Allele origin: germline.

Ambry Genetics
Classification: Benign for Hereditary cancer-predisposing syndrome. Last evaluated: 2024-07-08. Review status: criteria provided, single submitter. Criteria: Ambry Variant Classification Scheme 2023. Collection method: clinical testing. Allele origin: germline.

GeneDx
Classification: Uncertain significance. Last evaluated: 2023-11-10. Review status: criteria provided, single submitter. Criteria: GeneDx Variant Classification Process June 2021. Collection method: clinical testing. Allele origin: germline. Affected: yes.
Comment: Observed in individuals with breast and uterine cancer (PMID: 34326862, 30093976, 32091409); In silico analysis supports that this missense variant does not alter protein structure/function; This variant is associated with the following publications: (PMID: 34326862, 30093976, 32091409)

Sema4
Classification: Likely benign for Hereditary cancer-predisposing syndrome. Last evaluated: 2021-01-31. Review status: criteria provided, single submitter. Criteria: Sema4 Curation Guidelines. Collection method: curation. Allele origin: germline.

Laboratory for Molecular Medicine, Mass General Brigham Personalized Medicine
Classification: Uncertain significance. Last evaluated: 2016-12-02. Review status: criteria provided, single submitter. Criteria: LMM Criteria. Collection method: clinical testing. Allele origin: germline.
Comment: Variant identified in a genome or exome case(s) and assessed due to predicted null impact of the variant or pathogenic assertions in the literature or databases. Disclaimer: This variant has not undergone full assessment. The following are preliminary notes: This variant has not been reported in any affected patients. It is classified as VUS in ClinVar (1 star) by GeneDx. It is present in ExAC at 0.07% and gnomAD at 0.1% (19 alleles - too high for gene-disease prevalence).

NM_006231.4(POLE):c.5278G>A (p.Val1760Met)

Gene: POLE (DNA polymerase epsilon, catalytic subunit; minus strand). Cytogenetic location: 12q24.33.
Variant type: single nucleotide variant.
Coding change: c.5278G>A on transcript NM_006231.4 (MANE Select); coding-DNA position 5278, G replaced by A.
Protein change: p.Val1760Met; replaces valine 1760 with methionine.
Molecular consequence: missense variant.
Genome position (GRCh38, 1-based): chr12:132,641,747, C>T on the plus strand (G>A on the coding strand, the complement: POLE is on the minus strand). VCF-style: chr12-132641747-C-T. GRCh37 (hg19) VCF-style: chr12-133218333-C-T.
Other names: short protein forms V1760M.
Identifiers: ClinVar variation 246327 (VCV000246327.21), dbSNP rs373272795, ClinGen allele CA6892575.